The following is an entry in ClinVar:

ClinVar aggregate classification (germline): Uncertain significance (1 of 4 stars; one submission).

Conditions:
Primary dilated cardiomyopathy (DCM). Also called: Dilated Cardiomyopathy. Identifiers: Orphanet 217604, MedGen C0007193, MeSH D002311, MONDO:0005021, HP:0001644. Inheritance: Various modes of inheritance.

gnomAD v4.1: 2 of 1,469,522 alleles (0.00014%); highest among the groups gnomAD compares: African/African-American, 0.0014%; no homozygotes.

Submission:

Labcorp Genetics (formerly Invitae), Labcorp
Classification: Uncertain significance for Primary dilated cardiomyopathy. Last evaluated: 2025-12-29. Review status: criteria provided, single submitter. Criteria: Invitae Variant Classification Sherloc (09022015). Collection method: clinical testing. Allele origin: germline.
Comment: This sequence change falls in intron 21 of the NEBL gene. It does not directly change the encoded amino acid sequence of the NEBL protein. This variant is not present in population databases (gnomAD no frequency). This variant has not been reported in the literature in individuals affected with NEBL-related conditions. Algorithms developed to predict the effect of sequence changes on RNA splicing suggest that this variant may disrupt the consensus splice site. In summary, the available evidence is currently insufficient to determine the role of this variant in disease. Therefore, it has been classified as a Variant of Uncertain Significance.

NM_006393.3(NEBL):c.2149-18T>A

Gene: NEBL (nebulette; minus strand). Cytogenetic location: 10p12.31.
Variant type: single nucleotide variant.
Coding change: c.2149-18T>A on transcript NM_006393.3 (MANE Select); 18 bases into the intron before coding-DNA position 2149, T replaced by A.
Molecular consequence: intron variant.
Genome position (GRCh38, 1-based): chr10:20,815,735, A>T on the plus strand (T>A on the coding strand, the complement: NEBL is on the minus strand). VCF-style: chr10-20815735-A-T. GRCh37 (hg19) VCF-style: chr10-21104664-A-T.
Other names: c.250-2795T>A (NM_001377326.1, NM_001377327.1, NM_001377328.1); c.358-2795T>A (NM_213569.2, NM_001173484.2, NM_001377322.1); c.301-2795T>A (NM_001377324.1); c.292-2795T>A (NM_001377325.1); c.310-2795T>A (NM_001377323.1).
Identifiers: ClinVar variation 4753801 (VCV004753801.1).